The following is an entry in ClinVar:

ClinVar aggregate classification (germline): Benign. Review status: criteria provided, multiple submitters, no conflicts (2 of 4 stars). 2 submissions from 2 submitters: Benign (2). Last evaluated 2026-08-01.

Allele frequency attached by ClinVar (database versions not stated): TOPMed 0.00095; ESP Exome Variant Server 0.00123; 1000 Genomes Project 30x 0.00125; gnomAD 0.00128 and 0.00175; 1000 Genomes Project 0.00160; gnomAD exomes 0.00204 and 0.00285; ExAC 0.00291.
gnomAD v4.1: 3,281 of 1,611,986 alleles (0.2%); highest among the groups gnomAD compares: South Asian, 1.3%; 29 homozygotes.

Submissions (2):

CeGaT Center for Human Genetics Tuebingen
Classification: Benign. Last evaluated: 2026-08-01. Review status: criteria provided, single submitter. Criteria: CeGaT Center For Human Genetics Tuebingen Variant Classification Criteria Version 2. Collection method: clinical testing. Allele origin: germline. Affected: yes. Observed: 3 variant alleles.
Comment: IYD: BP4, BS1, BS2

Labcorp Genetics (formerly Invitae), Labcorp
Classification: Benign. Last evaluated: 2026-01-19. Review status: criteria provided, single submitter. Criteria: Invitae Variant Classification Sherloc (09022015). Collection method: clinical testing. Allele origin: germline.

NM_203395.3(IYD):c.181G>A (p.Ala61Thr)

Gene: IYD (iodotyrosine deiodinase; plus strand). Cytogenetic location: 6q25.1.
Variant type: single nucleotide variant.
Coding change: c.181G>A on transcript NM_203395.3 (MANE Select); coding-DNA position 181, G replaced by A.
Protein change: p.Ala61Thr; replaces alanine 61 with threonine.
Molecular consequence: missense variant. On other transcripts: initiator codon variant (1), non-coding transcript variant (1).
Genome position (GRCh38, 1-based): chr6:150,389,354, G>A. VCF-style: chr6-150389354-G-A. GRCh37 (hg19) VCF-style: chr6-150710490-G-A.
Other names: c.181G>A, p.Ala61Thr (NM_001164694.2, NM_001164695.2); c.3G>A, p.Met1Ile (NM_001318495.2); short protein forms A61T, M1I.
Identifiers: ClinVar variation 716756 (VCV000716756.30), dbSNP rs144193430, ClinGen allele CA4046954.
Genomic context (GRCh38, chr6:150,389,354, plus strand): 5'-GGTCACCTTATGACCAAGGGATCATTTAGTTTGTTACCTTTCTTATTCTTATTTGCAGAT[G>A]CTGATGAATGGCAAGAATCAGAAGAAAATGTTGAACACATCCCCTTCTCTCATAACCACT-3'
Protein context (NP_981932.1, residues 51-71): SSDLHQAEED[Ala61Thr]DEWQESEENV